The following is an entry in ClinVar:

ClinVar aggregate classification (germline): Benign/Likely benign. Review status: criteria provided, multiple submitters, no conflicts (2 of 4 stars). 4 submissions from 4 submitters: Benign (1); Likely benign (3). Last evaluated 2026-01-11.

Conditions:
Spermatogenic failure 18. Identifiers: MedGen C4539783, MONDO:0054615, OMIM 617576.
Ciliary dyskinesia, primary, 37 (CILD37). Also called: CILIARY DYSKINESIA, PRIMARY, 37, WITH OR WITHOUT SITUS INVERSUS. Identifiers: MedGen C4539798, MONDO:0033204, OMIM 617577.

Allele frequency attached by ClinVar (database versions not stated): gnomAD 0.00023 and 0.00052; TOPMed 0.00031; ESP Exome Variant Server 0.00033; 1000 Genomes Project 30x 0.00125; gnomAD exomes 0.00131; 1000 Genomes Project 0.00160; ExAC 0.00192.
gnomAD v4.1: 1,133 of 1,610,800 alleles (0.07%); highest among the groups gnomAD compares: South Asian, 0.79%; 7 homozygotes.

Submissions (4):

Labcorp Genetics (formerly Invitae), Labcorp
Classification: Benign for Ciliary dyskinesia, primary, 37; Spermatogenic failure 18. Last evaluated: 2026-01-11. Review status: criteria provided, single submitter. Criteria: Invitae Variant Classification Sherloc (09022015). Collection method: clinical testing. Allele origin: germline.

CeGaT Center for Human Genetics Tuebingen
Classification: Likely benign. Last evaluated: 2025-03-01. Review status: criteria provided, single submitter. Criteria: CeGaT Center For Human Genetics Tuebingen Variant Classification Criteria Version 2. Collection method: clinical testing. Allele origin: germline. Affected: yes. Observed: 1 variant allele.
Comment: DNAH1: BP4, BP7

Blueprint Genetics
Classification: Likely benign. Last evaluated: 2024-11-12. Review status: criteria provided, single submitter. Criteria: ACMG Guidelines, 2015. Collection method: clinical testing. Allele origin: germline.

Fulgent Genetics
Classification: Likely benign for Spermatogenic failure 18; Ciliary dyskinesia, primary, 37. Last evaluated: 2021-08-11. Review status: criteria provided, single submitter. Criteria: ACMG Guidelines, 2015. Collection method: clinical testing. Allele origin: unknown.

NM_015512.5(DNAH1):c.6411C>T (p.Asn2137=)

Gene: DNAH1 (dynein axonemal heavy chain 1; plus strand). Cytogenetic location: 3p21.1.
Variant type: single nucleotide variant.
Coding change: c.6411C>T on transcript NM_015512.5 (MANE Select); coding-DNA position 6411, C replaced by T.
Protein change: p.Asn2137=; no amino-acid change (asparagine 2137 retained).
Molecular consequence: synonymous variant.
Genome position (GRCh38, 1-based): chr3:52,370,629, C>T. VCF-style: chr3-52370629-C-T. GRCh37 (hg19) VCF-style: chr3-52404645-C-T.
Identifiers: ClinVar variation 478477 (VCV000478477.19), dbSNP rs372595174, ClinGen allele CA2434503.